The following is an entry in ClinVar:

NM_015662.3(IFT172):c.205G>A (p.Val69Met)

Gene: IFT172 (intraflagellar transport 172; minus strand). Cytogenetic location: 2p23.3.
Variant type: single nucleotide variant.
Coding change: c.205G>A on transcript NM_015662.3 (MANE Select); coding-DNA position 205, G replaced by A.
Protein change: p.Val69Met; replaces valine 69 with methionine.
Molecular consequence: missense variant.
Genome position (GRCh38, 1-based): chr2:27,485,109, C>T on the plus strand (G>A on the coding strand, the complement: IFT172 is on the minus strand). VCF-style: chr2-27485109-C-T. GRCh37 (hg19) VCF-style: chr2-27707976-C-T.
Other names: short protein forms V69M.
Identifiers: ClinVar variation 864374 (VCV000864374.7), dbSNP rs756299134, ClinGen allele CA1581076.
Genomic context (GRCh38, chr2:27,485,109, plus strand): 5'-TGTTGTCAGTCTGTCCTATGGCAATTTTAGTGGAATCAGGAGAAAAAGCCATGCCCTTCA[C>T]CATATAGCTCTTCCTGCCATACTAAGAGTTTAAAAAAAAAAAAAGAAAGAAAAAGAAGTA-3'
Protein context (NP_056477.1, residues 59-79): DMKYGRKSYM[Val69Met]KGMAFSPDST

ClinVar aggregate classification (germline): Uncertain significance (1 of 4 stars; one submission).

Conditions:
Retinitis pigmentosa 71 (RP71). Identifiers: Orphanet 791, MedGen C4225342, MONDO:0014618, OMIM 616394.
Short-rib thoracic dysplasia 10 with or without polydactyly (SRTD10). Identifiers: Orphanet 474, MedGen C3810175, MONDO:0014284, OMIM 615630.

Allele frequency attached by ClinVar (database versions not stated): gnomAD exomes below 0.00001 and 0.00001; ExAC 0.00001; TOPMed 0.00001.
gnomAD v4.1: 9 of 1,603,640 alleles (0.00056%); highest among the groups gnomAD compares: Admixed American, 0.0033%; no homozygotes.

Submission:

Labcorp Genetics (formerly Invitae), Labcorp
Classification: Uncertain significance for Retinitis pigmentosa 71; Short-rib thoracic dysplasia 10 with or without polydactyly. Last evaluated: 2022-10-04. Review status: criteria provided, single submitter. Criteria: Invitae Variant Classification Sherloc (09022015). Collection method: clinical testing. Allele origin: germline.
Comment: This sequence change replaces valine, which is neutral and non-polar, with methionine, which is neutral and non-polar, at codon 69 of the IFT172 protein (p.Val69Met). This variant is present in population databases (rs756299134, gnomAD 0.006%). This variant has not been reported in the literature in individuals affected with IFT172-related conditions. ClinVar contains an entry for this variant (Variation ID: 864374). Advanced modeling of protein sequence and biophysical properties (such as structural, functional, and spatial information, amino acid conservation, physicochemical variation, residue mobility, and thermodynamic stability) performed at Invitae indicates that this missense variant is expected to disrupt IFT172 protein function. In summary, the available evidence is currently insufficient to determine the role of this variant in disease. Therefore, it has been classified as a Variant of Uncertain Significance.